The following is an entry in ClinVar:

ClinVar aggregate classification (germline): Uncertain significance (1 of 4 stars; one submission).

gnomAD v4.1: 1 of 1,607,088 alleles (0.000062%); highest among the groups gnomAD compares: Non-Finnish European, 0.000085%; no homozygotes.

Submission:

Dasa
Classification: Uncertain significance. Last evaluated: 2026-04-20. Review status: criteria provided, single submitter. Criteria: DASA Assertion Criteria. Collection method: clinical testing. Allele origin: germline.
Comment: NM_001348323.3(TRIP12):c.5935A>G (p.Ser1979Gly) is a missense variant that results in the substitution of serine with glycine. This variant is rare in population databases. The currently available literature and clinical evidence are not sufficient to establish a definitive association between this variant and the reported condition. Therefore, this variant is classified as a variant of uncertain significance.

NM_001348323.3(TRIP12):c.5935A>G (p.Ser1979Gly)

Gene: TRIP12 (thyroid hormone receptor interactor 12; minus strand). Cytogenetic location: 2q36.3.
Variant type: single nucleotide variant.
Coding change: c.5935A>G on transcript NM_001348323.3 (MANE Select); coding-DNA position 5935, A replaced by G.
Protein change: p.Ser1979Gly; replaces serine 1979 with glycine.
Molecular consequence: missense variant.
Genome position (GRCh38, 1-based): chr2:229,768,688, T>C on the plus strand (A>G on the coding strand, the complement: TRIP12 is on the minus strand). VCF-style: chr2-229768688-T-C. GRCh37 (hg19) VCF-style: chr2-230633404-T-C.
Other names: c.5854A>G, p.Ser1952Gly (NM_001284214.2, NM_001348315.2); c.5809A>G, p.Ser1937Gly (NM_001284215.2, NM_001348316.2); c.5935A>G, p.Ser1979Gly (NM_001348324.2, NM_001348325.2, NM_001348326.2 and 2 more transcripts); c.5938A>G, p.Ser1980Gly (NM_001348328.1, NM_001348329.2, NM_001348330.2); c.5713A>G, p.Ser1905Gly (NM_001348331.1); c.5833A>G, p.Ser1945Gly (NM_001348332.1); c.5857A>G, p.Ser1953Gly (NM_001348333.1); c.5710A>G, p.Ser1904Gly (NM_004238.3); and 4 more; short protein forms S1634G, S1904G, S1905G, S1932G, S1937G, S1945G, S1952G, S1953G.
Identifiers: ClinVar variation 4881998 (VCV004881998.2).